The following is an entry in ClinVar:

NM_001020658.2(PUM1):c.333T>C (p.Pro111=)

Gene: PUM1 (pumilio RNA binding family member 1; minus strand). Cytogenetic location: 1p35.2.
Variant type: single nucleotide variant.
Coding change: c.333T>C on transcript NM_001020658.2 (MANE Select); coding-DNA position 333, T replaced by C.
Protein change: p.Pro111=; no amino-acid change (proline 111 retained).
Molecular consequence: synonymous variant.
Genome position (GRCh38, 1-based): chr1:31,059,234, A>G on the plus strand (T>C on the coding strand, the complement: PUM1 is on the minus strand). VCF-style: chr1-31059234-A-G. GRCh37 (hg19) VCF-style: chr1-31532081-A-G.
Other names: c.333T>C, p.Pro111= (NM_014676.3).
Identifiers: ClinVar variation 4822105 (VCV004822105.4).

ClinVar aggregate classification (germline): Uncertain significance (1 of 4 stars; one submission).

gnomAD v4.1: 1 of 1,606,656 alleles (0.000062%); highest among the groups gnomAD compares: Non-Finnish European, 0.000085%; no homozygotes.

Submission:

CeGaT Center for Human Genetics Tuebingen
Classification: Uncertain significance. Last evaluated: 2026-03-01. Review status: criteria provided, single submitter. Criteria: CeGaT Center For Human Genetics Tuebingen Variant Classification Criteria Version 2. Collection method: clinical testing. Allele origin: germline. Affected: yes. Observed: 1 variant allele.
Comment: PUM1: PM2, BP4